The following is an entry in ClinVar:

ClinVar aggregate classification (germline): Pathogenic (1 of 4 stars; one submission).

Conditions:
Glycogen storage disease type III (GSD3). Also called: FORBES DISEASE; Cori disease. Identifiers: Orphanet 366, MedGen C0017922, MONDO:0009291, OMIM 232400.

Submission:

Myriad Genetics, Inc.
Classification: Pathogenic for Glycogen storage disease type III. Last evaluated: 2025-06-11. Review status: criteria provided, single submitter. Criteria: Myriad Autosomal Dominant, Autosomal Recessive and X-Linked Classification Criteria (2023). Collection method: clinical testing. Allele origin: unknown.
Comment: NM_000642.2(AGL):c.2506G>T(E836*) is expected to be pathogenic in the context of glycogen storage disease type III. This variant is predicted to lead to an abnormal or absent protein product due to the creation of a premature termination codon in AGL, a gene where loss-of-function variants are known to be pathogenic. Please note: this variant was assessed in the context of healthy population screening.

NM_000642.3(AGL):c.2506G>T (p.Glu836Ter)

Gene: AGL (amylo-alpha-1,6-glucosidase and 4-alpha-glucanotransferase; plus strand). Cytogenetic location: 1p21.2.
Variant type: single nucleotide variant.
Coding change: c.2506G>T on transcript NM_000642.3 (MANE Select); coding-DNA position 2506, G replaced by T.
Protein change: p.Glu836Ter; replaces glutamic acid 836 with a stop codon.
Molecular consequence: nonsense.
Genome position (GRCh38, 1-based): chr1:99,884,411, G>T. VCF-style: chr1-99884411-G-T. GRCh37 (hg19) VCF-style: chr1-100349967-G-T.
Other names: c.2506G>T, p.Glu836Ter (NM_000028.3, NM_000643.3, NM_000644.3 and 2 more transcripts); c.2458G>T, p.Glu820Ter (NM_000646.3); c.2305G>T, p.Glu769Ter (NM_001425327.1); c.2302G>T, p.Glu768Ter (NM_001425328.1, NM_001425329.1); c.2128G>T, p.Glu710Ter (NM_001425332.1); short protein forms E710*, E768*, E769*, E820*, E836*.
Identifiers: ClinVar variation 5014586 (VCV005014586.1).
Genomic context (GRCh38, chr1:99,884,411, plus strand): 5'-AAAATTGTTAAACAAGCTGGAGTTGCCACAAAAGGGCCCAATGAATATATTCAAGAAATA[G>T]AATTTGAAAACTTGTCTCCAGGAAGTGTTATTATATTCAGGTATGTTAATTGAGCTCAAA-3'